The following is an entry in ClinVar:

NM_005401.5(PTPN14):c.2657T>C (p.Val886Ala)

Gene: PTPN14 (protein tyrosine phosphatase non-receptor type 14; minus strand). Cytogenetic location: 1q32.3.
Variant type: single nucleotide variant.
Coding change: c.2657T>C on transcript NM_005401.5 (MANE Select); coding-DNA position 2657, T replaced by C.
Protein change: p.Val886Ala; replaces valine 886 with alanine.
Molecular consequence: missense variant.
Genome position (GRCh38, 1-based): chr1:214,377,990, A>G on the plus strand (T>C on the coding strand, the complement: PTPN14 is on the minus strand). VCF-style: chr1-214377990-A-G. GRCh37 (hg19) VCF-style: chr1-214551333-A-G.
Other names: short protein forms V886A.
Identifiers: ClinVar variation 3311416 (VCV003311416.2).

ClinVar aggregate classification (germline): Uncertain significance. Review status: criteria provided, multiple submitters, no conflicts (2 of 4 stars). 2 submissions from 2 submitters: Uncertain significance (2). Last evaluated 2026-02-23.

Conditions:
Lymphedema-posterior choanal atresia syndrome. Identifiers: Orphanet 99141, MedGen C3150875, MONDO:0013324, OMIM 613611.

Submissions (2):

Clinical Genomics Laboratory, Washington University in St. Louis
Classification: Uncertain significance for Lymphedema-posterior choanal atresia syndrome. Last evaluated: 2026-02-23. Review status: criteria provided, single submitter. Criteria: ACMG Guidelines, 2015. Collection method: clinical testing. Allele origin: germline.
Comment: A PTPN14 c.2657T>C (p.Val886Ala) variant was identified at a near heterozygous allelic fraction of 44.2%, a frequency that may be consistent with germline origin. This variant, to our knowledge, has not been reported in the medical literature but has been reported in the ClinVar database as a germline variant of uncertain significance by one submitter (ClinVar Variation ID: 3311416). It is only observed on 44/1,612,784 alleles in the general population (gnomAD v4.1.0), indicating it is not a common variant. Computational predictors suggest that the variant does not impact PTPN14 function. Due to limited information, and based on ACMG/AMP guidelines for variant interpretation (Richards S et al., PMID: 25741868), the clinical significance of this variant is uncertain at this time.

Ambry Genetics
Classification: Uncertain significance. Last evaluated: 2024-06-11. Review status: criteria provided, single submitter. Criteria: Ambry Variant Classification Scheme 2023. Collection method: clinical testing. Allele origin: germline.